The following is an entry in ClinVar:

Single allele

Variant type: Deletion.
Identifiers: ClinVar variation 156752 (VCV000156752.2).

ClinVar aggregate classification (germline): not provided (0 of 4 stars; one submission).

Conditions:
Gestational diabetes mellitus uncontrolled. Identifiers: MedGen C3532257.

Submission:

Institute of Molecular and Cell Biology, University of Tartu
No classification provided. Condition: Gestational diabetes mellitus uncontrolled. Review status: no classification provided. Collection method: case-control. Allele origin: unknown. Affected: yes. Study: Kasak2014.
Comment: The study aimed to determine the contribution of copy number variants in the genetic etiology of normal and complicated pregnancies. The samples represented (i) maternal blood DNA drawn from healthy pregnant women during 1st or 2nd trimester and (ii) maternal and paternal blood DNA drawn at term pregnancy cases representing normal and complicated gestations (severe preeclampsia, PE; gestational diabetes, GD; small-for-gestational age newborn, SGA; large-for-gestational age newborn, LGA). We performed CNV calling based on genome-wide genotyping dataset (Illumina HumanOmniExpress-24-v1 BeadChip) by applying three algorithms, QuantiSNP, GADA (Genome Alteration Detection Algorithm) and CNstream in parallel. The acquired CNV calls were merged with HD-CNV (Hotspot Detector for Copy Number Variants) program and only the CNVs predicted by at least two programs, were considered in subsequent analysis.

Literature cited by the submitters: PubMed 25666259.